The following is an entry in ClinVar:

NM_001365951.3(KIF1B):c.2811G>A (p.Glu937=)

Genes: KIF1B (kinesin family member 1B; plus strand), LOC126805614 (BRD4-independent group 4 enhancer GRCh37_chr1:10385546-10386745; plus strand). Cytogenetic location: 1p36.22.
Variant type: single nucleotide variant.
Coding change: c.2811G>A on transcript NM_001365951.3 (MANE Select); coding-DNA position 2811, G replaced by A.
Protein change: p.Glu937=; no amino-acid change (glutamic acid 937 retained).
Molecular consequence: synonymous variant.
Genome position (GRCh38, 1-based): chr1:10,326,246, G>A. VCF-style: chr1-10326246-G-A. GRCh37 (hg19) VCF-style: chr1-10386304-G-A.
Other names: c.2811G>A, p.Glu937= (NM_001365952.1); c.2673G>A, p.Glu891= (NM_015074.3).
Identifiers: ClinVar variation 3030496 (VCV003030496.3), dbSNP rs752271843, ClinGen allele CA416034418.

ClinVar aggregate classification (germline): Likely benign. Review status: criteria provided, single submitter (1 of 4 stars). 2 submissions from 2 submitters: Likely benign (1). 1 of the submissions does not count toward it. Last evaluated 2026-05-15.

Conditions:
KIF1B-related disorder. Also called: KIF1B-related condition.

Allele frequency attached by ClinVar (database versions not stated): gnomAD exomes below 0.00001.
gnomAD v4.1: 1 of 1,546,558 alleles (0.000065%); highest among the groups gnomAD compares: Non-Finnish European, 0.000089%; no homozygotes.

Submissions (2):

Ambry Genetics
Classification: Likely benign. Last evaluated: 2026-05-15. Review status: criteria provided, single submitter. Criteria: Ambry Variant Classification Scheme 2023. Collection method: clinical testing. Allele origin: germline.

PreventionGenetics, part of Exact Sciences
Classification: Likely benign for KIF1B-related condition. Last evaluated: 2023-12-06. Review status: no assertion criteria provided. Collection method: clinical testing. Allele origin: germline. Not counted in ClinVar's aggregate classification.
Comment: This variant is classified as likely benign based on ACMG/AMP sequence variant interpretation guidelines (Richards et al. 2015 PMID: 25741868, with internal and published modifications).